The following is an entry in ClinVar:

ClinVar aggregate classification (germline): Pathogenic (1 of 4 stars; one submission).

Conditions:
Neuromuscular disease caused by qualitative or quantitative defects of dystrophin. Also called: Qualitative or quantitative defects of dystrophin. Identifiers: Orphanet 207085, MedGen C5679787, MONDO:0016147.

Submission:

Women's Health and Genetics/Laboratory Corporation of America, LabCorp
Classification: Pathogenic for Neuromuscular disease caused by qualitative or quantitative defects of dystrophin. Last evaluated: 2025-03-18. Review status: criteria provided, single submitter. Criteria: LabCorp Variant Classification Summary - May 2015. Collection method: clinical testing. Allele origin: germline.
Comment: Variant summary: The variant involves the deletion of exons 51-53 in the DMD gene. A presumed nomenclature of c.(7309+1_7310-1)_(7872+1_7873-1)del has been designated for the purposes of this classification. This Copy Number Variant (CNV) is expected to alter the reading frame and predicted to result in a truncation or absence of the encoded protein due to nonsense mediated decay (NMD). The variant was absent in 16120 control chromosomes (gnomAD, structural variants dataset). c.(7309+1_7310-1)_(7872+1_7873-1)del has been reported in the literature in multiple individuals affected with Duchenne Muscular Dystrophy (e.g. Zhao_2024). These data indicate that the variant is very likely to be associated with disease. The following publication has been ascertained in the context of this evaluation (PMID: 39182149). ClinVar contains an entry for this variant (Variation ID: 660142). Based on the evidence outlined above, the variant was classified as pathogenic.

Literature cited by the submitters: PubMed 39182149.

NC_000023.10:g.(31676262_31697491)_(31792310_31838091)del

Gene: DMD (dystrophin; minus strand). Cytogenetic location: Xp21.1.
Variant type: Deletion.
Identifiers: ClinVar variation 3895564 (VCV003895564.1).